The following is an entry in ClinVar:

ClinVar aggregate classification (germline): Likely benign (1 of 4 stars; one submission).

gnomAD v4.1: 12 of 1,612,036 alleles (0.00074%); highest among the groups gnomAD compares: Non-Finnish European, 0.00085%; no homozygotes.

Submission:

CeGaT Center for Human Genetics Tuebingen
Classification: Likely benign. Last evaluated: 2026-01-01. Review status: criteria provided, single submitter. Criteria: CeGaT Center For Human Genetics Tuebingen Variant Classification Criteria Version 2. Collection method: clinical testing. Allele origin: germline. Affected: yes. Observed: 1 variant allele.
Comment: ASCC3: BP4, BP7

NM_006828.4(ASCC3):c.3112T>C (p.Leu1038=)

Gene: ASCC3 (activating signal cointegrator 1 complex subunit 3; minus strand). Cytogenetic location: 6q16.3.
Variant type: single nucleotide variant.
Coding change: c.3112T>C on transcript NM_006828.4 (MANE Select); coding-DNA position 3112, T replaced by C.
Protein change: p.Leu1038=; no amino-acid change (leucine 1038 retained).
Molecular consequence: synonymous variant.
Genome position (GRCh38, 1-based): chr6:100,650,678, A>G on the plus strand (T>C on the coding strand, the complement: ASCC3 is on the minus strand). VCF-style: chr6-100650678-A-G. GRCh37 (hg19) VCF-style: chr6-101098554-A-G.
Identifiers: ClinVar variation 4821978 (VCV004821978.4).
Genomic context (GRCh38, chr6:100,650,678, plus strand): 5'-TTATTTTCCCATAACTATTCTCTACACCTCCAGGAGTGGAGAGTTCACAAAAATTGCTTA[A>G]TAAGGTATCTAACTCCTCTATTTCCTCTTCTCTGACCTAGAAGAATCAATGTATTTATTG-3'
Protein context (NP_006819.2, residues 1028-1048): EEEIEELDTL[Leu1038=]SNFCELSTPG